The following is an entry in ClinVar:

NM_020631.6(PLEKHG5):c.2048A>G (p.Gln683Arg)

Gene: PLEKHG5 (pleckstrin homology and RhoGEF domain containing G5; minus strand). Cytogenetic location: 1p36.31.
Variant type: single nucleotide variant.
Coding change: c.2048A>G on transcript NM_020631.6 (MANE Select); coding-DNA position 2048, A replaced by G.
Protein change: p.Gln683Arg; replaces glutamine 683 with arginine.
Molecular consequence: missense variant.
Genome position (GRCh38, 1-based): chr1:6,469,336, T>C on the plus strand (A>G on the coding strand, the complement: PLEKHG5 is on the minus strand). VCF-style: chr1-6469336-T-C. GRCh37 (hg19) VCF-style: chr1-6529396-T-C.
Other names: c.2159A>G, p.Gln720Arg (NM_001042663.3, NM_001265592.2); c.2048A>G, p.Gln683Arg (NM_001042664.2, NM_001042665.2, NM_001265594.3 and 1 more transcripts); c.2255A>G, p.Gln752Arg (NM_001265593.2); short protein forms Q683R, Q720R, Q752R.
Identifiers: ClinVar variation 1305417 (VCV001305417.2), dbSNP rs1381617999, ClinGen allele CA338119507.

ClinVar aggregate classification (germline): Uncertain significance (1 of 4 stars; one submission).

Allele frequency attached by ClinVar (database versions not stated): TOPMed below 0.00001.

Submission:

GeneDx
Classification: Uncertain significance. Last evaluated: 2019-02-11. Review status: criteria provided, single submitter. Criteria: GeneDx Variant Classification Process June 2021. Collection method: clinical testing. Allele origin: germline. Affected: yes.
Comment: Not observed in large population cohorts (Lek et al., 2016); In silico analysis, which includes protein predictors and evolutionary conservation, supports a deleterious effect